The following is an entry in ClinVar:

ClinVar aggregate classification (germline): Pathogenic (1 of 4 stars; one submission).

Conditions:
Bardet-Biedl syndrome 3 (BBS3). Identifiers: Orphanet 110, MedGen C1859564, MONDO:0010832, OMIM 600151.
Retinitis pigmentosa 55 (RP55). Identifiers: Orphanet 791, MedGen C3150808, MONDO:0013312, OMIM 613575.

Submission:

Labcorp Genetics (formerly Invitae), Labcorp
Classification: Pathogenic for Retinitis pigmentosa 55; Bardet-Biedl syndrome 3. Last evaluated: 2022-02-23. Review status: criteria provided, single submitter. Criteria: Invitae Variant Classification Sherloc (09022015). Collection method: clinical testing. Allele origin: germline.
Comment: For these reasons, this variant has been classified as Pathogenic. Algorithms developed to predict the effect of sequence changes on RNA splicing suggest that this variant may disrupt the consensus splice site. This variant has not been reported in the literature in individuals affected with ARL6-related conditions. This variant is not present in population databases (gnomAD no frequency). This sequence change creates a premature translational stop signal (p.Gln88*) in the ARL6 gene. It is expected to result in an absent or disrupted protein product. Loss-of-function variants in ARL6 are known to be pathogenic (PMID: 15258860, 19858128, 20142850, 22334370, 27486776, 31736247).

Literature cited by the submitters: PubMed 15258860; PubMed 19858128; PubMed 20142850; PubMed 22334370; PubMed 27486776; PubMed 31736247.

NM_001278293.3(ARL6):c.262C>T (p.Gln88Ter)

Gene: ARL6 (ARF like GTPase 6; plus strand). Cytogenetic location: 3q11.2.
Variant type: single nucleotide variant.
Coding change: c.262C>T on transcript NM_001278293.3 (MANE Select); coding-DNA position 262, C replaced by T.
Protein change: p.Gln88Ter; replaces glutamine 88 with a stop codon.
Molecular consequence: nonsense. On other transcripts: non-coding transcript variant (7).
Genome position (GRCh38, 1-based): chr3:97,784,962, C>T. VCF-style: chr3-97784962-C-T. GRCh37 (hg19) VCF-style: chr3-97503806-C-T.
Other names: c.262C>T, p.Gln88Ter (NM_001323513.2, NM_001323514.2, NM_032146.5 and 1 more transcripts); short protein forms Q88*.
Identifiers: ClinVar variation 2102573 (VCV002102573.4), dbSNP rs2529939726, ClinGen allele CA353587022.
Genomic context (GRCh38, chr3:97,784,962, plus strand): 5'-TGGAAAAATTTATAAGTAAAGCTTTAATTTTTCTTTTTCTTTACATTACACAGAGAAGGC[C>T]AAGCTATTATTTTTGTCATTGATAGTAGTGATAGATTAAGAATGGTTGTGGCCAAAGAAG-3'